The following is an entry in ClinVar:

ClinVar aggregate classification (germline): Conflicting classifications of pathogenicity. Review status: criteria provided, conflicting classifications (1 of 4 stars). 2 submissions from 2 submitters: Uncertain significance (1); Likely benign (1). Last evaluated 2026-02-25.

Allele frequency attached by ClinVar (database versions not stated): ExAC 0.00002; gnomAD exomes 0.00002 and 0.00004; gnomAD 0.00003; TOPMed 0.00003; ESP Exome Variant Server 0.00008.
gnomAD v4.1: 34 of 1,613,850 alleles (0.0021%); highest among the groups gnomAD compares: African/African-American, 0.0013%; no homozygotes.

Submissions (2):

GeneDx
Classification: Uncertain significance. Last evaluated: 2026-02-25. Review status: criteria provided, single submitter. Criteria: GeneDx Variant Classification Process June 2021. Collection method: clinical testing. Allele origin: germline.
Comment: In silico analysis supports that this missense variant has a deleterious effect on protein structure/function; Has not been previously published as pathogenic or benign to our knowledge

Labcorp Genetics (formerly Invitae), Labcorp
Classification: Likely benign. Last evaluated: 2024-11-19. Review status: criteria provided, single submitter. Criteria: Invitae Variant Classification Sherloc (09022015). Collection method: clinical testing. Allele origin: germline.

NM_000260.4(MYO7A):c.4009G>A (p.Glu1337Lys)

Gene: MYO7A (myosin VIIA; plus strand). Cytogenetic location: 11q13.5.
Variant type: single nucleotide variant.
Coding change: c.4009G>A on transcript NM_000260.4 (MANE Select); coding-DNA position 4009, G replaced by A.
Protein change: p.Glu1337Lys; replaces glutamic acid 1337 with lysine.
Molecular consequence: missense variant.
Genome position (GRCh38, 1-based): chr11:77,192,135, G>A. VCF-style: chr11-77192135-G-A. GRCh37 (hg19) VCF-style: chr11-76903180-G-A.
Other names: c.4009G>A (NM_000260.3); c.4009G>A, p.Glu1337Lys (NM_001127180.2); c.3976G>A, p.Glu1326Lys (NM_001369365.1); short protein forms E1326K, E1337K.
Identifiers: ClinVar variation 1591704 (VCV001591704.10), dbSNP rs369375331, ClinGen allele CA6198285.